The following is an entry in ClinVar:

NM_006343.3(MERTK):c.2486+6T>A

Gene: MERTK (MER proto-oncogene, tyrosine kinase; plus strand). Cytogenetic location: 2q13.
Variant type: single nucleotide variant.
Coding change: c.2486+6T>A on transcript NM_006343.3 (MANE Select); 6 bases into the intron after coding-DNA position 2486, T replaced by A.
Molecular consequence: intron variant.
Genome position (GRCh38, 1-based): chr2:112,022,400, T>A. VCF-style: chr2-112022400-T-A. GRCh37 (hg19) VCF-style: chr2-112779977-T-A.
Identifiers: ClinVar variation 866433 (VCV000866433.10), dbSNP rs772204397, ClinGen allele CA1831840.
Genomic context (GRCh38, chr2:112,022,400, plus strand): 5'-ACTATCTTCTCCATGGCCACAGGTTGAAGCAGCCCGAAGACTGCCTGGATGAACTGTGAG[T>A]GGGCTTCTCTGTCTCCCTTCCATACTCTGCATGGGGCAGCCACCTGGCTCTGCACTGACC-3'

ClinVar aggregate classification (germline): Conflicting classifications of pathogenicity. Review status: criteria provided, conflicting classifications (1 of 4 stars). 3 submissions from 3 submitters: Likely pathogenic (2); Uncertain significance (1). Last evaluated 2025-10-20.

Conditions:
MERTK-related disorder. Also called: MERTK-related condition.
Retinitis pigmentosa 38 (RP38). Also called: ROD-CONE DYSTROPHY, CHILDHOOD-ONSET. Identifiers: Orphanet 791, MedGen C3151228, MONDO:0013469, OMIM 613862.

Allele frequency attached by ClinVar (database versions not stated): gnomAD exomes 0.00001; ExAC 0.00002; gnomAD 0.00002; TOPMed 0.00004.
gnomAD v4.1: 12 of 1,614,070 alleles (0.00074%); highest among the groups gnomAD compares: African/African-American, 0.013%; no homozygotes.

Submissions (3):

Labcorp Genetics (formerly Invitae), Labcorp
Classification: Uncertain significance. Last evaluated: 2025-10-20. Review status: criteria provided, single submitter. Criteria: Invitae Variant Classification Sherloc (09022015). Collection method: clinical testing. Allele origin: germline.
Comment: This sequence change falls in intron 18 of the MERTK gene. It does not directly change the encoded amino acid sequence of the MERTK protein. It affects a nucleotide within the consensus splice site. This variant is present in population databases (rs772204397, gnomAD 0.008%). This variant has been observed in individual(s) with clinical features of retinitis pigmentosa (internal data). ClinVar contains an entry for this variant (Variation ID: 866433). Variants that disrupt the consensus splice site are a relatively common cause of aberrant splicing (PMID: 17576681, 9536098). Algorithms developed to predict the effect of sequence changes on RNA splicing suggest that this variant may disrupt the consensus splice site. In summary, the available evidence is currently insufficient to determine the role of this variant in disease. Therefore, it has been classified as a Variant of Uncertain Significance.

Centre for Human Genetics, University of Kinshasa
Classification: Likely pathogenic for Retinitis pigmentosa 38. Last evaluated: 2024-03-07. Review status: criteria provided, single submitter. Criteria: ACMG Guidelines, 2015. Collection method: research. Allele origin: unknown. Inheritance: Autosomal recessive inheritance. Affected: yes. Observed: 1 compound heterozygote.
Comment: The variants in a gene (MERTK) are previously associated with retinal pigmentosa 38. This splice variant is reported in gnomAD population database. This variant has been submitted twice in ClinVar as uncertain significance (PP3, PM2; Accession: VCV000866433.6). It affects a splice donor site and computational prediction tools unanimously support a deleterious effect on the gene. Both parents were unavailable for testing. This variant was assumed to be in trans with the missense NM_006343.3:c.263C>T (p.Ser88Leu) on the other chromosome, matching with the known mode of inheritance and with the compound heterozygosity as the most likely genotype.

Blueprint Genetics
Classification: Likely pathogenic for MERTK-related disorders. Last evaluated: 2022-10-27. Review status: criteria provided, single submitter. Criteria: ACMG Guidelines, 2015. Collection method: clinical testing. Allele origin: germline. Affected: yes. Observed: 3 variant alleles.

Literature cited by the submitters: PubMed 17576681 (cited by Labcorp Genetics (formerly Invitae), Labcorp); PubMed 9536098 (cited by Labcorp Genetics (formerly Invitae), Labcorp).